The following is an entry in ClinVar:

ClinVar aggregate classification (germline): Uncertain significance (1 of 4 stars; one submission).

Conditions:
Hereditary cancer-predisposing syndrome. Also called: Neoplastic Syndromes, Hereditary; Tumor predisposition; Hereditary neoplastic syndrome; Hereditary Cancer Syndrome. Identifiers: Orphanet 140162, MedGen C0027672, MeSH D009386, MONDO:0015356.

Submission:

Ambry Genetics
Classification: Uncertain significance for Hereditary cancer-predisposing syndrome. Last evaluated: 2026-07-30. Review status: criteria provided, single submitter. Criteria: Ambry Variant Classification Scheme 2023. Collection method: clinical testing. Allele origin: germline.
Comment: The c.6961_6966dupTTTATG variant (also known as p.F2321_M2322dup), located in coding exon 12 of the BRCA2 gene, results from an in-frame duplication of TTTATG at nucleotide positions 6961 to 6966. This results in the duplication of 2 extra residues (FM) between codons 2321 and 2322. This amino acid region is not well conserved in available vertebrate species. In addition, the in silico prediction for this variant is inconclusive (Choi Y et al. PLoS ONE. 2012; 7(10):e46688). Based on the available evidence, the clinical significance of this variant remains unclear.

NM_000059.4(BRCA2):c.6961_6966dup (p.Met2322_His2323insPheMet)

Gene: BRCA2 (BRCA2 DNA repair associated; plus strand). Cytogenetic location: 13q13.1.
Variant type: Duplication.
Coding change: c.6961_6966dup on transcript NM_000059.4 (MANE Select); coding-DNA positions 6961 to 6966, 6 bases duplicated (TTTATG; older notation c.6961_6966dupTTTATG).
Protein change: p.Met2322_His2323insPheMet.
Molecular consequence: non-coding transcript variant (on NR_176251.1). On other transcripts: inframe indel (1).
Genome position (GRCh38, 1-based): chr13:32,346,850-32,346,855, TTTATG duplicated; duplicating any 6 consecutive bases within chr13:32,346,848-32,346,855 gives the same sequence; the c. name uses the placement nearest the transcript's 3' end. VCF-style (leftmost placement, unchanged base first): chr13-32346847-T-TTGTTTA. GRCh37 (hg19) VCF-style: chr13-32920984-T-TTGTTTA.
Other names: c.6865_6870dup, p.Met2290_His2291insPheMet (NM_001406719.1); c.6961_6966dup, p.Met2322_His2323insPheMet (NM_001406720.1, NM_001432077.1); c.2029_2034dup, p.Met678_His679insPheMet (NM_001406721.1); c.544_549dup, p.Met183_His184insPheMet (NM_001406722.1); c.6961_6966dupTTTATG (NM_000059.3).
Identifiers: ClinVar variation 5033328 (VCV005033328.1).